The following is an entry in ClinVar:

ClinVar aggregate classification (germline): Conflicting classifications of pathogenicity. Review status: criteria provided, conflicting classifications (1 of 4 stars). 2 submissions from 2 submitters: Likely pathogenic (1); Uncertain significance (1). Last evaluated 2025-11-20.

Conditions:
Developmental and epileptic encephalopathy, 11 (DEE11). Also called: Early infantile epileptic encephalopathy 11. Identifiers: Orphanet 1934, MedGen C3150987, MONDO:0013388, OMIM 613721.
Seizures, benign familial infantile, 3 (BFIS3). Also called: Familial neonatal seizures; CONVULSIONS, BENIGN FAMILIAL INFANTILE, 3. Identifiers: Orphanet 140927, Orphanet 306, MedGen C1843140, MONDO:0011904, OMIM 607745.
SCN2A-related disorder. Also called: SCN2A-related disorders; SCN2A-related condition. Identifiers: MedGen CN382226, MONDO:1060245.

Submissions (2):

Rady Children's Institute for Genomic Medicine, Rady Children's Hospital San Diego
Classification: Likely pathogenic for SCN2A-related disorders. Last evaluated: 2025-11-20. Review status: criteria provided, single submitter. Criteria: ACMG Guidelines, 2015. Collection method: clinical testing. Allele origin: germline. Affected: yes.
Comment: This variant has been reported as a de novo heterozygous change in patients affected by SCN2A-related disorders (PMID: 33258288, 38651838). It affects a highly conserved amino acid and is predicted by multiple in silico tools to have a deleterious effect on protein function. Functional studies demonstrated that this variant causes a loss-of-function effect in the adult isoform and gain-of-function effect in the neonatal isoform (PMID: 38651838). This variant occur within a mutation hotspot and a different amino acid change at the same residue (p.Arg1315Lys) has been reported in affected patients (PMID: 29655203). The c.3943A>G (p.Arg1315Gly) variant is absent from the gnomAD population database and thus is presumed to be rare. Analysis of the parental samples was negative for the variant, indicating this variant likely occurred as a de novo event. Based on the available evidence, the c.3943A>G (p.Arg1315Gly) variant is classified as Likely Pathogenic.

Labcorp Genetics (formerly Invitae), Labcorp
Classification: Uncertain significance for Seizures, benign familial infantile, 3; Developmental and epileptic encephalopathy, 11. Last evaluated: 2019-08-14. Review status: criteria provided, single submitter. Criteria: Invitae Variant Classification Sherloc (09022015). Collection method: clinical testing. Allele origin: germline.
Comment: In summary, the available evidence is currently insufficient to determine the role of this variant in disease. Therefore, it has been classified as a Variant of Uncertain Significance. Algorithms developed to predict the effect of missense changes on protein structure and function are either unavailable or do not agree on the potential impact of this missense change (SIFT: "Deleterious"; PolyPhen-2: "Probably Damaging"; Align-GVGD: "Class C0"). This variant has not been reported in the literature in individuals with SCN2A-related conditions. This variant is not present in population databases (ExAC no frequency). This sequence change replaces arginine with glycine at codon 1315 of the SCN2A protein (p.Arg1315Gly). The arginine residue is highly conserved and there is a moderate physicochemical difference between arginine and glycine.

Literature cited by the submitters: PubMed 33258288 (cited by Rady Children's Institute for Genomic Medicine, Rady Children's Hospital San Diego); PubMed 38651838 (cited by Rady Children's Institute for Genomic Medicine, Rady Children's Hospital San Diego); PubMed 29655203 (cited by Rady Children's Institute for Genomic Medicine, Rady Children's Hospital San Diego).

NM_001040142.2(SCN2A):c.3943A>G (p.Arg1315Gly)

Gene: SCN2A (sodium voltage-gated channel alpha subunit 2; plus strand). Cytogenetic location: 2q24.3.
Variant type: single nucleotide variant.
Coding change: c.3943A>G on transcript NM_001040142.2 (MANE Select); coding-DNA position 3943, A replaced by G.
Protein change: p.Arg1315Gly; replaces arginine 1315 with glycine.
Molecular consequence: missense variant.
Genome position (GRCh38, 1-based): chr2:165,373,318, A>G. VCF-style: chr2-165373318-A-G. GRCh37 (hg19) VCF-style: chr2-166229828-A-G.
Other names: c.3943A>G, p.Arg1315Gly (NM_001040143.2, NM_001371246.1, NM_001371247.1 and 1 more transcripts); short protein forms R1315G.
Identifiers: ClinVar variation 949926 (VCV000949926.11), dbSNP rs1553593080, ClinGen allele CA349029993.
Genomic context (GRCh38, chr2:165,373,318, plus strand): 5'-GGTTACTCAGAACTTGGTGCCATCAAATCCCTCAGAACACTAAGAGCTCTGAGGCCACTG[A>G]GAGCTTTGTCCCGGTTTGAAGGAATGAGGGTAAGACTGAATGCCTTAGAGTTTGTCAGAA-3'
Protein context (NP_001035232.1, residues 1305-1325): LRTLRALRPL[Arg1315Gly]ALSRFEGMRV